The following is an entry in ClinVar:

NM_006267.5(RANBP2):c.782+1G>T

Gene: RANBP2 (RAN binding protein 2; plus strand). Cytogenetic location: 2q13.
Variant type: single nucleotide variant.
Coding change: c.782+1G>T on transcript NM_006267.5 (MANE Select); the canonical splice donor site of the intron after coding-DNA position 782, G replaced by T.
Molecular consequence: splice donor variant.
Genome position (GRCh38, 1-based): chr2:108,736,250, G>T. VCF-style: chr2-108736250-G-T. GRCh37 (hg19) VCF-style: chr2-109352706-G-T.
Other names: c.782+1G>T (NM_001415871.1, NM_001415873.1); c.779+1G>T (NM_001415872.1).
Identifiers: ClinVar variation 3343372 (VCV003343372.1).

ClinVar aggregate classification (germline): Uncertain significance (1 of 4 stars; one submission).

Submission:

GeneDx
Classification: Uncertain significance. Last evaluated: 2023-05-26. Review status: criteria provided, single submitter. Criteria: GeneDx Variant Classification Process June 2021. Collection method: clinical testing. Allele origin: germline. Affected: yes.
Comment: Not observed at significant frequency in large population cohorts (gnomAD); Canonical splice site variant in a gene or region of a gene for which loss of function is not a well-established mechanism of disease; Has not been previously published as pathogenic or benign to our knowledge